The following is an entry in ClinVar:

NC_000011.10:g.124647499del

Gene: SIAE (sialic acid acetylesterase; minus strand). Cytogenetic location: 11q24.2.
Variant type: Deletion.
Genome position: GRCh38 VCF-style: chr11-124647495-TC-T. GRCh37 (hg19) VCF-style: chr11-124517391-TC-T.
Identifiers: ClinVar variation 1467090 (VCV001467090.7), dbSNP rs2134363978, ClinGen allele CA2573147037.
Genomic context (GRCh38, chr11:124,647,495, plus strand): 5'-TCTTCGATGAGTGCAGGGAATGTGCAATTGTACAGATCCGTGTTATAATTTATATTGGAC[TC>T]CCCTAAAAACAGTCCAAATTGTAAAGGGAGTTTGGAGTAGACTGCAAAAATGACCACACA-3'

ClinVar aggregate classification (germline): Uncertain significance (1 of 4 stars; one submission).

Submission:

Labcorp Genetics (formerly Invitae), Labcorp
Classification: Uncertain significance. Last evaluated: 2022-08-16. Review status: criteria provided, single submitter. Criteria: Invitae Variant Classification Sherloc (09022015). Collection method: clinical testing. Allele origin: germline.
Comment: This variant is not present in population databases (gnomAD no frequency). This sequence change creates a premature translational stop signal (p.Glu279Serfs*4) in the SIAE gene. It is expected to result in an absent or disrupted protein product. However, the current clinical and genetic evidence is not sufficient to establish whether loss-of-function variants in SIAE cause disease. This variant has not been reported in the literature in individuals affected with SIAE-related conditions. ClinVar contains an entry for this variant (Variation ID: 1467090). In summary, the available evidence is currently insufficient to determine the role of this variant in disease. Therefore, it has been classified as a Variant of Uncertain Significance.